The following is an entry in ClinVar:

ClinVar aggregate classification (germline): Uncertain significance (1 of 4 stars; one submission).

Allele frequency attached by ClinVar (database versions not stated): TOPMed 0.00001.
gnomAD v4.1: 17 of 1,613,922 alleles (0.0011%); highest among the groups gnomAD compares: East Asian, 0.0045%; no homozygotes.

Submission:

Labcorp Genetics (formerly Invitae), Labcorp
Classification: Uncertain significance. Last evaluated: 2023-10-18. Review status: criteria provided, single submitter. Criteria: Invitae Variant Classification Sherloc (09022015). Collection method: clinical testing. Allele origin: germline.
Comment: This sequence change replaces arginine, which is basic and polar, with histidine, which is basic and polar, at codon 487 of the ANGPT1 protein (p.Arg487His). This variant is present in population databases (rs774208271, gnomAD 0.003%). This variant has not been reported in the literature in individuals affected with ANGPT1-related conditions. Algorithms developed to predict the effect of missense changes on protein structure and function output the following: SIFT: "Not Available"; PolyPhen-2: "Benign"; Align-GVGD: "Not Available". The histidine amino acid residue is found in multiple mammalian species, which suggests that this missense change does not adversely affect protein function. In summary, the available evidence is currently insufficient to determine the role of this variant in disease. Therefore, it has been classified as a Variant of Uncertain Significance.

NM_001146.5(ANGPT1):c.1460G>A (p.Arg487His)

Gene: ANGPT1 (angiopoietin 1; minus strand). Cytogenetic location: 8q23.1.
Variant type: single nucleotide variant.
Coding change: c.1460G>A on transcript NM_001146.5 (MANE Select); coding-DNA position 1460, G replaced by A.
Protein change: p.Arg487His; replaces arginine 487 with histidine.
Molecular consequence: missense variant.
Genome position (GRCh38, 1-based): chr8:107,251,892, C>T on the plus strand (G>A on the coding strand, the complement: ANGPT1 is on the minus strand). VCF-style: chr8-107251892-C-T. GRCh37 (hg19) VCF-style: chr8-108264120-C-T.
Other names: c.1457G>A, p.Arg486His (NM_001199859.3); c.860G>A, p.Arg287His (NM_001314051.2); short protein forms R487H, R287H, R486H.
Identifiers: ClinVar variation 2968481 (VCV002968481.3), dbSNP rs774208271, ClinGen allele CA4841117.